The following is an entry in ClinVar:

NM_025074.7(FRAS1):c.1918C>T (p.Arg640Cys)

Gene: FRAS1 (Fraser extracellular matrix complex subunit 1; plus strand). Cytogenetic location: 4q21.21.
Variant type: single nucleotide variant.
Coding change: c.1918C>T on transcript NM_025074.7 (MANE Select); coding-DNA position 1918, C replaced by T.
Protein change: p.Arg640Cys; replaces arginine 640 with cysteine.
Molecular consequence: missense variant.
Genome position (GRCh38, 1-based): chr4:78,317,466, C>T. VCF-style: chr4-78317466-C-T. GRCh37 (hg19) VCF-style: chr4-79238620-C-T.
Other names: c.1918C>T, p.Arg640Cys (NM_001166133.2); short protein forms R640C.
Identifiers: ClinVar variation 903829 (VCV000903829.60), dbSNP rs147869493, ClinGen allele CA2976486.
Genomic context (GRCh38, chr4:78,317,466, plus strand): 5'-CCCTCTCACTGTACAGCCTGCAGCCCCCCCAAGGCTCTGCGTCAAGGCCACTGTCTGCCC[C>T]GCTGTGGAGAGGGTTTCTACTCTGACCATGGAGTCTGCAAAGGTATCGTTGGTGTCACCA-3'
Protein context (NP_079350.5, residues 630-650): KALRQGHCLP[Arg640Cys]CGEGFYSDHG

ClinVar aggregate classification (germline): Conflicting classifications of pathogenicity. Review status: criteria provided, conflicting classifications (1 of 4 stars). 10 submissions from 10 submitters: Uncertain significance (2); Likely benign (4). 4 of the submissions do not count toward it. Last evaluated 2026-08-01.

Conditions:
FRAS1-related disorder. Also called: FRAS1-related condition.
Fraser syndrome 1 (FRASRS1). Also called: CRYPTOPHTHALMOS WITH OTHER MALFORMATIONS. Identifiers: Orphanet 2052, MedGen C4551480, MONDO:0054737, OMIM 219000.

Allele frequency attached by ClinVar (database versions not stated): gnomAD 0.00074 and 0.00078; ExAC 0.00076; TOPMed 0.00078; 1000 Genomes Project 0.00080; gnomAD exomes 0.00082 and 0.00101; ESP Exome Variant Server 0.00089; 1000 Genomes Project 30x 0.00125.
gnomAD v4.1: 1,592 of 1,613,840 alleles (0.099%); highest among the groups gnomAD compares: Middle Eastern, 0.41%; 2 homozygotes.

Submissions (10):

CeGaT Center for Human Genetics Tuebingen
Classification: Likely benign. Last evaluated: 2026-08-01. Review status: criteria provided, single submitter. Criteria: CeGaT Center For Human Genetics Tuebingen Variant Classification Criteria Version 2. Collection method: clinical testing. Allele origin: germline. Affected: yes. Observed: 6 variant alleles.
Comment: FRAS1: BP4, BS2

Labcorp Genetics (formerly Invitae), Labcorp
Classification: Likely benign. Last evaluated: 2026-01-25. Review status: criteria provided, single submitter. Criteria: Invitae Variant Classification Sherloc (09022015). Collection method: clinical testing. Allele origin: germline.

Laboratory of Genetics, Children's Clinical University Hospital Latvia
Classification: Likely benign. Last evaluated: 2025-02-16. Review status: criteria provided, single submitter. Criteria: ACMG Guidelines, 2015. Collection method: clinical testing. Allele origin: germline. Affected: yes.

Blueprint Genetics
Classification: Likely benign. Last evaluated: 2024-11-20. Review status: criteria provided, single submitter. Criteria: ACMG Guidelines, 2015. Collection method: clinical testing. Allele origin: germline.

Women's Health and Genetics/Laboratory Corporation of America, LabCorp
Classification: Uncertain significance. Last evaluated: 2022-06-08. Review status: criteria provided, single submitter. Criteria: LabCorp Variant Classification Summary - May 2015. Collection method: clinical testing. Allele origin: germline.
Comment: Variant summary: FRAS1 c.1918C>T (p.Arg640Cys) results in a non-conservative amino acid change located in the Furin-like repeat (IPR006212) of the encoded protein sequence. Four of five in-silico tools predict a benign effect of the variant on protein function. The variant allele was found at a frequency of 0.00082 in 248996 control chromosomes in the gnomAD database, including 1 homozygote. This frequency is not significantly higher than expected for a pathogenic variant in FRAS1 causing Cryptophthalmos Syndrome (0.00082 vs 0.0018), allowing no conclusion about variant significance. c.1918C>T has been reported in the literature in individuals affected with Anopthalmia/Microphthalmia (Deml_2016) and multiple fetal abnormalities (Carss_2014). These reports do not provide unequivocal conclusions about association of the variant with Cryptophthalmos Syndrome. To our knowledge, no experimental evidence demonstrating an impact on protein function has been reported. Three ClinVar submitters have assessed the variant since 2014: one classified the variant as of uncertain significance and two as likely benign. Based on the evidence outlined above, the variant was classified as uncertain significance.

Illumina Laboratory Services, Illumina
Classification: Uncertain significance for Fraser syndrome 1. Last evaluated: 2017-04-27. Review status: criteria provided, single submitter. Criteria: ICSL Variant Classification Criteria 13 December 2019. Collection method: clinical testing. Allele origin: germline.
Comment: This variant was observed as part of a predisposition screen in an ostensibly healthy population. A literature search was performed for the gene, cDNA change, and amino acid change (where applicable). Publications were found based on this search. However, the evidence from the literature, in combination with allele frequency data from public databases where available, was not sufficient to rule this variant in or out of causing disease. Therefore, this variant is classified as a variant of unknown significance.

PreventionGenetics, part of Exact Sciences
Classification: Likely benign for FRAS1-related condition. Last evaluated: 2022-11-18. Review status: no assertion criteria provided. Collection method: clinical testing. Allele origin: germline. Not counted in ClinVar's aggregate classification.
Comment: This variant is classified as likely benign based on ACMG/AMP sequence variant interpretation guidelines (Richards et al. 2015 PMID: 25741868, with internal and published modifications).

Clinical Genetics DNA and cytogenetics Diagnostics Lab, Erasmus MC, Erasmus Medical Center
Classification: Likely benign. Review status: no assertion criteria provided. Collection method: clinical testing. Allele origin: germline. Affected: yes. Study: VKGL Data-share Consensus. Not counted in ClinVar's aggregate classification.

Diagnostic Laboratory, Department of Genetics, University Medical Center Groningen
Classification: Likely benign. Review status: no assertion criteria provided. Collection method: clinical testing. Allele origin: germline. Affected: yes. Study: VKGL Data-share Consensus. Not counted in ClinVar's aggregate classification.

Laboratory of Diagnostic Genome Analysis, Leiden University Medical Center (LUMC)
Classification: Likely benign. Review status: no assertion criteria provided. Collection method: clinical testing. Allele origin: germline. Affected: yes. Study: VKGL Data-share Consensus. Not counted in ClinVar's aggregate classification.

Literature cited by the submitters: PubMed 27884173 (cited by Women's Health and Genetics/Laboratory Corporation of America, LabCorp); PubMed 24476948 (cited by Women's Health and Genetics/Laboratory Corporation of America, LabCorp and Illumina Laboratory Services, Illumina).